The following is an entry in ClinVar:

NM_022089.4(ATP13A2):c.1157A>T (p.Tyr386Phe)

Gene: ATP13A2 (ATPase cation transporting 13A2; minus strand). Cytogenetic location: 1p36.13.
Variant type: single nucleotide variant.
Coding change: c.1157A>T on transcript NM_022089.4 (MANE Select); coding-DNA position 1157, A replaced by T.
Protein change: p.Tyr386Phe; replaces tyrosine 386 with phenylalanine.
Molecular consequence: missense variant.
Genome position (GRCh38, 1-based): chr1:16,997,058, T>A on the plus strand (A>T on the coding strand, the complement: ATP13A2 is on the minus strand). VCF-style: chr1-16997058-T-A. GRCh37 (hg19) VCF-style: chr1-17323553-T-A.
Other names: c.1142A>T, p.Tyr381Phe (NM_001141973.3, NM_001141974.3); short protein forms Y381F, Y386F.
Identifiers: ClinVar variation 1434845 (VCV001434845.7), dbSNP rs762628723, ClinGen allele CA18638307.

ClinVar aggregate classification (germline): Uncertain significance. Review status: criteria provided, multiple submitters, no conflicts (2 of 4 stars). 2 submissions from 2 submitters: Uncertain significance (2). Last evaluated 2024-09-09.

Conditions:
Kufor-Rakeb syndrome (KRS). Also called: PARKINSON DISEASE 9, AUTOSOMAL RECESSIVE, JUVENILE-ONSET. Identifiers: Orphanet 306674, Orphanet 314632, MedGen C1847640, MONDO:0011706, OMIM 606693.
Autosomal recessive spastic paraplegia type 78. Identifiers: Orphanet 513436, MedGen C5567893, MONDO:0014975, OMIM 617225.

Submissions (2):

Blueprint Genetics
Classification: Uncertain significance. Last evaluated: 2024-09-09. Review status: criteria provided, single submitter. Criteria: ACMG Guidelines, 2015. Collection method: clinical testing. Allele origin: germline.

Labcorp Genetics (formerly Invitae), Labcorp
Classification: Uncertain significance for Kufor-Rakeb syndrome; Autosomal recessive spastic paraplegia type 78. Last evaluated: 2022-07-19. Review status: criteria provided, single submitter. Criteria: Invitae Variant Classification Sherloc (09022015). Collection method: clinical testing. Allele origin: germline.
Comment: This variant has not been reported in the literature in individuals affected with ATP13A2-related conditions. This variant is present in population databases (no rsID available, gnomAD 0.006%). This sequence change replaces tyrosine, which is neutral and polar, with phenylalanine, which is neutral and non-polar, at codon 386 of the ATP13A2 protein (p.Tyr386Phe). ClinVar contains an entry for this variant (Variation ID: 1434845). In summary, the available evidence is currently insufficient to determine the role of this variant in disease. Therefore, it has been classified as a Variant of Uncertain Significance. Advanced modeling of protein sequence and biophysical properties (such as structural, functional, and spatial information, amino acid conservation, physicochemical variation, residue mobility, and thermodynamic stability) performed at Invitae indicates that this missense variant is not expected to disrupt ATP13A2 protein function.